The following is an entry in ClinVar:

ClinVar aggregate classification (germline): Uncertain significance (1 of 4 stars; one submission).

Conditions:
MAST1-related disorder. Also called: MAST1-related condition.

gnomAD v4.1: 2 of 1,596,006 alleles (0.00013%); highest among the groups gnomAD compares: African/African-American, 0.0027%; no homozygotes.

Submission:

PreventionGenetics, part of Exact Sciences
Classification: Uncertain significance for MAST1-related condition. Last evaluated: 2026-09-24. Review status: criteria provided, single submitter. Criteria: ACMG Guidelines, 2015. Collection method: clinical testing. Allele origin: germline.
Comment: The MAST1 c.1651C>A variant is predicted to result in the amino acid substitution p.Pro551Thr. To our knowledge, this variant has not been reported in the literature. This variant is reported in 0.0% of alleles in individuals of African descent in gnomAD. At this time, the clinical significance of this variant is uncertain due to the absence of conclusive functional and genetic evidence.

NM_014975.3(MAST1):c.1651C>A (p.Pro551Thr)

Gene: MAST1 (microtubule associated serine/threonine kinase 1; plus strand). Cytogenetic location: 19p13.13.
Variant type: single nucleotide variant.
Coding change: c.1651C>A on transcript NM_014975.3 (MANE Select); coding-DNA position 1651, C replaced by A.
Protein change: p.Pro551Thr; replaces proline 551 with threonine.
Molecular consequence: missense variant.
Genome position (GRCh38, 1-based): chr19:12,865,328, C>A. VCF-style: chr19-12865328-C-A. GRCh37 (hg19) VCF-style: chr19-12976142-C-A.
Other names: short protein forms P551T.
Identifiers: ClinVar variation 4994315 (VCV004994315.1).